The following is an entry in ClinVar:

NM_001172509.2(SATB2):c.214T>C (p.Ser72Pro)

Gene: SATB2 (SATB homeobox 2; minus strand). Cytogenetic location: 2q33.1.
Variant type: single nucleotide variant.
Coding change: c.214T>C on transcript NM_001172509.2 (MANE Select); coding-DNA position 214, T replaced by C.
Protein change: p.Ser72Pro; replaces serine 72 with proline.
Molecular consequence: missense variant. On other transcripts: non-coding transcript variant (1).
Genome position (GRCh38, 1-based): chr2:199,433,470, A>G on the plus strand (T>C on the coding strand, the complement: SATB2 is on the minus strand). VCF-style: chr2-199433470-A-G. GRCh37 (hg19) VCF-style: chr2-200298193-A-G.
Other names: c.214T>C (NM_015265.3); c.214T>C, p.Ser72Pro (NM_001172517.1, NM_015265.4); short protein forms S72P.
Identifiers: ClinVar variation 2119555 (VCV002119555.5), dbSNP rs753249521, ClinGen allele CA2046135.

ClinVar aggregate classification (germline): Uncertain significance. Review status: criteria provided, multiple submitters, no conflicts (2 of 4 stars). 2 submissions from 2 submitters: Uncertain significance (2). Last evaluated 2024-10-29.

Conditions:
Inborn genetic diseases. Identifiers: MedGen C0950123, MeSH D030342.
Chromosome 2q32-q33 deletion syndrome (GLASS). Also called: 2q33.1 deletion syndrome; Glass syndrome. Identifiers: Orphanet 251019, MedGen C2676739, MONDO:0012864, OMIM 612313.

Allele frequency attached by ClinVar (database versions not stated): ExAC 0.00001; gnomAD exomes 0.00001.
gnomAD v4.1: 3 of 1,614,178 alleles (0.00019%); highest among the groups gnomAD compares: Non-Finnish European, 0.00025%; no homozygotes.

Submissions (2):

Ambry Genetics
Classification: Uncertain significance for Inborn genetic diseases. Last evaluated: 2024-10-29. Review status: criteria provided, single submitter. Criteria: Ambry Variant Classification Scheme 2023. Collection method: clinical testing. Allele origin: germline.

Labcorp Genetics (formerly Invitae), Labcorp
Classification: Uncertain significance for Chromosome 2q32-q33 deletion syndrome. Last evaluated: 2022-06-22. Review status: criteria provided, single submitter. Criteria: Invitae Variant Classification Sherloc (09022015). Collection method: clinical testing. Allele origin: germline.
Comment: In summary, the available evidence is currently insufficient to determine the role of this variant in disease. Therefore, it has been classified as a Variant of Uncertain Significance. Advanced modeling of protein sequence and biophysical properties (such as structural, functional, and spatial information, amino acid conservation, physicochemical variation, residue mobility, and thermodynamic stability) performed at Invitae indicates that this missense variant is not expected to disrupt SATB2 protein function. This variant has not been reported in the literature in individuals affected with SATB2-related conditions. This variant is present in population databases (rs753249521, gnomAD 0.0009%). This sequence change replaces serine, which is neutral and polar, with proline, which is neutral and non-polar, at codon 72 of the SATB2 protein (p.Ser72Pro).